The following is an entry in ClinVar:

NM_004522.3(KIF5C):c.2354A>G (p.Lys785Arg)

Gene: KIF5C (kinesin family member 5C; plus strand). Cytogenetic location: 2q23.2.
Variant type: single nucleotide variant.
Coding change: c.2354A>G on transcript NM_004522.3 (MANE Select); coding-DNA position 2354, A replaced by G.
Protein change: p.Lys785Arg; replaces lysine 785 with arginine.
Molecular consequence: missense variant. On other transcripts: non-coding transcript variant (1).
Genome position (GRCh38, 1-based): chr2:149,000,763, A>G. VCF-style: chr2-149000763-A-G. GRCh37 (hg19) VCF-style: chr2-149857277-A-G.
Other names: short protein forms K785R.
Identifiers: ClinVar variation 3377975 (VCV003377975.2).

ClinVar aggregate classification (germline): Uncertain significance (1 of 4 stars; one submission).

Submission:

GeneDx
Classification: Uncertain significance. Last evaluated: 2025-07-23. Review status: criteria provided, single submitter. Criteria: GeneDx Variant Classification Process June 2021. Collection method: clinical testing. Allele origin: germline. Affected: yes.
Comment: Not observed at significant frequency in large population cohorts (gnomAD); In silico analysis supports that this missense variant has a deleterious effect on protein structure/function; Has not been previously published as pathogenic or benign to our knowledge